The following is an entry in ClinVar:

ClinVar aggregate classification (germline): Uncertain significance (1 of 4 stars; one submission).

Conditions:
Neutral lipid storage myopathy (NLSDM). Also called: NEUTRAL LIPID STORAGE DISEASE WITHOUT ICHTHYOSIS. Identifiers: Orphanet 98908, MedGen C1853136, MONDO:0012545, OMIM 610717.

Allele frequency attached by ClinVar (database versions not stated): gnomAD exomes below 0.00001; gnomAD 0.00001; TOPMed 0.00001.

Submission:

Labcorp Genetics (formerly Invitae), Labcorp
Classification: Uncertain significance for Neutral lipid storage myopathy. Last evaluated: 2025-10-02. Review status: criteria provided, single submitter. Criteria: Invitae Variant Classification Sherloc (09022015). Collection method: clinical testing. Allele origin: germline.
Comment: This sequence change replaces proline, which is neutral and non-polar, with alanine, which is neutral and non-polar, at codon 260 of the PNPLA2 protein (p.Pro260Ala). The frequency data for this variant in the population databases is considered unreliable, as metrics indicate poor data quality at this position in the gnomAD database. This variant has not been reported in the literature in individuals affected with PNPLA2-related conditions. ClinVar contains an entry for this variant (Variation ID: 2136949). Invitae Evidence Modeling of protein sequence and biophysical properties (such as structural, functional, and spatial information, amino acid conservation, physicochemical variation, residue mobility, and thermodynamic stability) has been performed for this missense variant. However, the output from this modeling did not meet the statistical confidence thresholds required to predict the impact of this variant on PNPLA2 protein function. Experimental studies have shown that this missense change affects PNPLA2 function (PMID: 21170305). In summary, the available evidence is currently insufficient to determine the role of this variant in disease. Therefore, it has been classified as a Variant of Uncertain Significance.

Literature cited by the submitters: PubMed 21170305.

NM_020376.4(PNPLA2):c.778C>G (p.Pro260Ala)

Gene: PNPLA2 (patatin like domain 2, triacylglycerol lipase; plus strand). Cytogenetic location: 11p15.5.
Variant type: single nucleotide variant.
Coding change: c.778C>G on transcript NM_020376.4 (MANE Select); coding-DNA position 778, C replaced by G.
Protein change: p.Pro260Ala; replaces proline 260 with alanine.
Molecular consequence: missense variant.
Genome position (GRCh38, 1-based): chr11:823,714, C>G. VCF-style: chr11-823714-C-G. GRCh37 (hg19) VCF-style: chr11-823714-C-G.
Other names: short protein forms P260A.
Identifiers: ClinVar variation 2136949 (VCV002136949.4), dbSNP rs145910728, ClinGen allele CA216970771.